The following is an entry in ClinVar:

ClinVar aggregate classification (germline): Uncertain significance (1 of 4 stars; one submission).

Conditions:
Cardiomyopathy (CMYO). Also called: Cardiomyopathies. Identifiers: Orphanet 167848, MedGen C0878544, MONDO:0004994, HP:0001638. Inheritance: Various modes of inheritance.

Submission:

Color Diagnostics, LLC DBA Color Health
Classification: Uncertain significance for Cardiomyopathy. Last evaluated: 2025-06-29. Review status: criteria provided, single submitter. Criteria: ACMG Guidelines, 2015. Collection method: clinical testing. Allele origin: germline.
Comment: This missense variant replaces serine with isoleucine at codon 29 of the DSC2 protein. Computational prediction suggests that this variant may not impact protein structure and function. To our knowledge, functional studies have not been reported for this variant. This variant has not been reported in individuals affected with DSC2-related disorders in the literature. This variant has not been identified in the general population by the Genome Aggregation Database (gnomAD). The available evidence is insufficient to determine the role of this variant in disease conclusively. Therefore, this variant is classified as a Variant of Uncertain Significance.

NM_024422.6(DSC2):c.86G>T (p.Ser29Ile)

Gene: DSC2 (desmocollin 2; minus strand). Cytogenetic location: 18q12.1.
Variant type: single nucleotide variant.
Coding change: c.86G>T on transcript NM_024422.6 (MANE Select); coding-DNA position 86, G replaced by T.
Protein change: p.Ser29Ile; replaces serine 29 with isoleucine.
Molecular consequence: missense variant. On other transcripts: 5 prime UTR variant (2).
Genome position (GRCh38, 1-based): chr18:31,093,627, C>A on the plus strand (G>T on the coding strand, the complement: DSC2 is on the minus strand). VCF-style: chr18-31093627-C-A. GRCh37 (hg19) VCF-style: chr18-28673590-C-A.
Other names: c.-344G>T (NM_001406506.1, NM_001406507.1); c.86G>T, p.Ser29Ile (NM_004949.5); short protein forms S29I.
Identifiers: ClinVar variation 4756998 (VCV004756998.1).
Genomic context (GRCh38, chr18:31,093,627, plus strand): 5'-ACAAGTTTCTCGGCATCTAGTTTGGAGGGAACATGTAATGTCACATTTTTGCAGGCATCA[C>A]TGGCAAATATTAAGATCTAAAAAATGAAAAAAAATCAAATAAATATTATGCATAAAAAGA-3'
Protein context (NP_077740.1, residues 19-39): LLTLAILIFA[Ser29Ile]DACKNVTLHV